The following is an entry in ClinVar:

NM_001458.5(FLNC):c.3872G>A (p.Arg1291His)

Gene: FLNC (filamin C; plus strand). Cytogenetic location: 7q32.1.
Variant type: single nucleotide variant.
Coding change: c.3872G>A on transcript NM_001458.5 (MANE Select); coding-DNA position 3872, G replaced by A.
Protein change: p.Arg1291His; replaces arginine 1291 with histidine.
Molecular consequence: missense variant.
Genome position (GRCh38, 1-based): chr7:128,846,071, G>A. VCF-style: chr7-128846071-G-A. GRCh37 (hg19) VCF-style: chr7-128486125-G-A.
Other names: c.3872G>A, p.Arg1291His (NM_001127487.2); short protein forms R1291H.
Identifiers: ClinVar variation 568679 (VCV000568679.41), dbSNP rs370042010, ClinGen allele CA4475164.

ClinVar aggregate classification (germline): Conflicting classifications of pathogenicity. Review status: criteria provided, conflicting classifications (1 of 4 stars). 7 submissions from 7 submitters: Uncertain significance (2); Benign (1); Likely benign (4). Last evaluated 2026-07-01.

Conditions:
Cardiovascular phenotype. Identifiers: MedGen CN230736.
FLNC-related disorder. Also called: FLNC-related condition; FLNC-related disorders.
Myofibrillar myopathy 5. Also called: Filaminopathy (type); FILAMINOPATHY, AUTOSOMAL DOMINANT. Identifiers: Orphanet 171445, MedGen C1836050, MONDO:0012289, OMIM 609524.
Distal myopathy with posterior leg and anterior hand involvement. Also called: WILLIAMS DISTAL MYOPATHY. Identifiers: Orphanet 63273, MedGen C3279722, MONDO:0013550, OMIM 614065.
Hypertrophic cardiomyopathy 26. Also called: Cardiomyopathy, familial hypertrophic, 26. Identifiers: Orphanet 75249, MedGen C4310749, MONDO:0014883, OMIM 617047.

Allele frequency attached by ClinVar (database versions not stated): TOPMed 0.00008; gnomAD exomes 0.00010 and 0.00008; ESP Exome Variant Server 0.00016; gnomAD 0.00007.
gnomAD v4.1: 160 of 1,613,784 alleles (0.0099%); highest among the groups gnomAD compares: Middle Eastern, 0.049%; 1 homozygote.

Submissions (7):

CeGaT Center for Human Genetics Tuebingen
Classification: Likely benign. Last evaluated: 2026-07-01. Review status: criteria provided, single submitter. Criteria: CeGaT Center For Human Genetics Tuebingen Variant Classification Criteria Version 2. Collection method: clinical testing. Allele origin: germline. Affected: yes. Observed: 5 variant alleles.
Comment: FLNC: BP4, BS2

Labcorp Genetics (formerly Invitae), Labcorp
Classification: Likely benign for Distal myopathy with posterior leg and anterior hand involvement; Myofibrillar myopathy 5; Hypertrophic cardiomyopathy 26. Last evaluated: 2026-01-14. Review status: criteria provided, single submitter. Criteria: Invitae Variant Classification Sherloc (09022015). Collection method: clinical testing. Allele origin: germline.

PreventionGenetics, part of Exact Sciences
Classification: Likely benign for FLNC-related condition. Last evaluated: 2025-06-20. Review status: criteria provided, single submitter. Criteria: ACMG Guidelines, 2015. Collection method: clinical testing. Allele origin: germline.
Comment: This variant is classified as likely benign based on ACMG/AMP sequence variant interpretation guidelines (Richards et al. 2015 PMID: 25741868, with internal and published modifications).

Molecular Diagnostic Laboratory for Inherited Cardiovascular Disease, Montreal Heart Institute
Classification: Benign. Last evaluated: 2025-04-09. Review status: criteria provided, single submitter. Criteria: ACMG Guidelines, 2015. Collection method: clinical testing. Allele origin: germline. Affected: no.
Comment: BS1;BS2;BP4

Revvity Omics, Revvity
Classification: Uncertain significance. Last evaluated: 2025-02-24. Review status: criteria provided, single submitter. Criteria: ACMG Guidelines, 2015. Collection method: clinical testing. Allele origin: germline.

Ambry Genetics
Classification: Uncertain significance for Cardiovascular phenotype. Last evaluated: 2024-05-09. Review status: criteria provided, single submitter. Criteria: Ambry Variant Classification Scheme 2023. Collection method: clinical testing. Allele origin: germline.
Comment: The p.R1291H variant (also known as c.3872G>A), located in coding exon 22 of the FLNC gene, results from a G to A substitution at nucleotide position 3872. The arginine at codon 1291 is replaced by histidine, an amino acid with highly similar properties. This amino acid position is not well conserved in available vertebrate species. In addition, this alteration is predicted to be tolerated by in silico analysis. Based on the available evidence, the clinical significance of this variant remains unclear.

GeneDx
Classification: Likely benign. Last evaluated: 2021-04-16. Review status: criteria provided, single submitter. Criteria: GeneDx Variant Classification Process June 2021. Collection method: clinical testing. Allele origin: germline. Affected: yes.